The following is an entry in ClinVar:

ClinVar aggregate classification (germline): Pathogenic (1 of 4 stars; one submission).

Conditions:
Arrhythmogenic right ventricular dysplasia 9 (ARVD9). Also called: Arrhythmogenic Right Ventricular Dysplasia/Cardiomyopathy 9; ARRHYTHMOGENIC RIGHT VENTRICULAR DYSPLASIA, FAMILIAL, 9. Identifiers: MedGen C1836906, MONDO:0012180, OMIM 609040.

Submission:

Labcorp Genetics (formerly Invitae), Labcorp
Classification: Pathogenic for Arrhythmogenic right ventricular dysplasia 9. Last evaluated: 2024-10-04. Review status: criteria provided, single submitter. Criteria: Invitae Variant Classification Sherloc (09022015). Collection method: clinical testing. Allele origin: germline.
Comment: This sequence change creates a premature translational stop signal (p.Asn237Leufs*28) in the PKP2 gene. It is expected to result in an absent or disrupted protein product. Loss-of-function variants in PKP2 are known to be pathogenic (PMID: 15489853, 17041889, 23911551). This variant is not present in population databases (gnomAD no frequency). This variant has not been reported in the literature in individuals affected with PKP2-related conditions. ClinVar contains an entry for this variant (Variation ID: 1996532). For these reasons, this variant has been classified as Pathogenic.

Literature cited by the submitters: PubMed 15489853; PubMed 17041889; PubMed 23911551.

NM_001005242.3(PKP2):c.704_708dup (p.Asn237fs)

Gene: PKP2 (plakophilin 2; minus strand). Cytogenetic location: 12p11.21.
Variant type: Duplication.
Coding change: c.704_708dup on transcript NM_001005242.3 (MANE Select); coding-DNA positions 704 to 708, 5 bases duplicated (CTGCC; older notation c.704_708dupCTGCC).
Protein change: p.Asn237fs; shifts the reading frame from asparagine 237.
Molecular consequence: frameshift variant.
Genome position (GRCh38, 1-based): chr12:32,878,172-32,878,176, GGCAG duplicated on the plus strand (CTGCC on the coding strand, the reverse complement: PKP2 is on the minus strand); duplicating any 5 consecutive bases within chr12:32,878,172-32,878,178 gives the same sequence; the c. name uses the placement nearest the transcript's 3' end. VCF-style (leftmost placement, unchanged base first): chr12-32878171-T-TGGCAG. GRCh37 (hg19) VCF-style: chr12-33031105-T-TGGCAG.
Other names: c.375_379dup, p.Asn128Leufs (NM_001407162.1, NM_001407158.1, NM_001407159.1 and 1 more transcripts); c.704_708dup, p.Asn237fs (NM_004572.4); c.702_706dup, p.Asn237Leufs (NM_001407155.1, NM_001407156.1, NM_001407157.1 and 1 more transcripts); short protein forms N237fs.
Identifiers: ClinVar variation 1996532 (VCV001996532.4), dbSNP rs2541340225, ClinGen allele CA2580085417.